The following is an entry in ClinVar:

ClinVar aggregate classification (germline): Likely pathogenic (1 of 4 stars; one submission).

Conditions:
Citrullinemia type I (CTNL1). Also called: ASS DEFICIENCY; argininosuccinate synthetase deficiency. Identifiers: Orphanet 247525, MedGen C4721769, MONDO:0008988, OMIM 215700.

Submission:

Juno Genomics, Hangzhou Juno Genomics, Inc
Classification: Likely pathogenic for Citrullinemia type I. Review status: criteria provided, single submitter. Criteria: ACMG Guidelines, 2015. Collection method: clinical testing. Allele origin: germline.
Comment: Absent from controls (or at extremely low frequency if recessive) in Genome Aggregation Database.;Null variant in a gene where loss of function (LOF) is a known mechanism of disease.

NM_054012.4(ASS1):c.496C>T (p.Gln166Ter)

Gene: ASS1 (argininosuccinate synthase 1; plus strand). Cytogenetic location: 9q34.11.
Variant type: single nucleotide variant.
Coding change: c.496C>T on transcript NM_054012.4 (MANE Select); coding-DNA position 496, C replaced by T.
Protein change: p.Gln166Ter; replaces glutamine 166 with a stop codon.
Molecular consequence: nonsense.
Genome position (GRCh38, 1-based): chr9:130,470,834, C>T. VCF-style: chr9-130470834-C-T. GRCh37 (hg19) VCF-style: chr9-133346221-C-T.
Other names: c.496C>T, p.Gln166Ter (NM_000050.4); short protein forms Q166*.
Identifiers: ClinVar variation 5019020 (VCV005019020.2).